The following is an entry in ClinVar:

NM_000238.4(KCNH2):c.2168G>A (p.Cys723Tyr)

Gene: KCNH2 (potassium voltage-gated channel subfamily H member 2; minus strand). Cytogenetic location: 7q36.1.
Variant type: single nucleotide variant.
Coding change: c.2168G>A on transcript NM_000238.4 (MANE Select); coding-DNA position 2168, G replaced by A.
Protein change: p.Cys723Tyr; replaces cysteine 723 with tyrosine.
Molecular consequence: missense variant.
Genome position (GRCh38, 1-based): chr7:150,950,398, C>T on the plus strand (G>A on the coding strand, the complement: KCNH2 is on the minus strand). VCF-style: chr7-150950398-C-T. GRCh37 (hg19) VCF-style: chr7-150647486-C-T.
Other names: p.C723Y:TGC>TAC; c.1148G>A, p.Cys383Tyr (NM_001204798.2, NM_172057.3); c.1880G>A, p.Cys627Tyr (NM_001406753.1, NM_001406756.1); c.1991G>A, p.Cys664Tyr (NM_001406755.1); c.1868G>A, p.Cys623Tyr (NM_001406757.1); c.2168G>A, p.Cys723Tyr (NM_172056.3); short protein forms C383Y, C723Y, C664Y, C623Y, C627Y.
Identifiers: ClinVar variation 200763 (VCV000200763.7), dbSNP rs794728491, ClinGen allele CA006323.
Genomic context (GRCh38, chr7:150,950,398, plus strand): 5'-AAGGGTTTGCAGTGCTGCAGCAGTGAGCGGTTCAGGTGCAGGCAGATGTCAGCCTGCAGG[C>T]ACTCAGGGAAGCCCTTCAGCACCTGGGGGCAGGGTGGGGGCAGCTCAGCACACCCTCCCT-3'
Protein context (NP_000229.1, residues 713-733): MNAVLKGFPE[Cys723Tyr]LQADICLHLN

ClinVar aggregate classification (germline): Uncertain significance. Review status: criteria provided, multiple submitters, no conflicts (2 of 4 stars). 3 submissions from 3 submitters: Uncertain significance (3). Last evaluated 2024-02-06.

Conditions:
Long QT syndrome (LQTS). Identifiers: MedGen C0023976, MeSH D008133, MONDO:0002442. Disease mechanism: loss of function. Inheritance: Various modes of inheritance.

Submissions (3):

Labcorp Genetics (formerly Invitae), Labcorp
Classification: Uncertain significance for Long QT syndrome. Last evaluated: 2024-02-06. Review status: criteria provided, single submitter. Criteria: Invitae Variant Classification Sherloc (09022015). Collection method: clinical testing. Allele origin: germline.
Comment: This sequence change replaces cysteine, which is neutral and slightly polar, with tyrosine, which is neutral and polar, at codon 723 of the KCNH2 protein (p.Cys723Tyr). This variant is not present in population databases (gnomAD no frequency). This variant has not been reported in the literature in individuals affected with KCNH2-related conditions. ClinVar contains an entry for this variant (Variation ID: 200763). An algorithm developed to predict the effect of missense changes on protein structure and function (PolyPhen-2) suggests that this variant is likely to be disruptive. In summary, the available evidence is currently insufficient to determine the role of this variant in disease. Therefore, it has been classified as a Variant of Uncertain Significance.

All of Us Research Program, National Institutes of Health
Classification: Uncertain significance for Long QT syndrome. Last evaluated: 2024-01-11. Review status: criteria provided, single submitter. Criteria: ACMG Guidelines, 2015. Collection method: clinical testing. Allele origin: germline. Inheritance: Autosomal dominant inheritance. Observed: 1 variant allele, 1 heterozygote.
Comment: This study involves interpretation of variants in research participants for the purpose of population health screening. Participant phenotype was not available at the time of variant classification. Additional details can be found in publication PMID: 35346344, PMCID: PMC8962531

GeneDx
Classification: Uncertain significance. Last evaluated: 2016-03-03. Review status: criteria provided, single submitter. Criteria: GeneDx Variant Classification (06012015). Collection method: clinical testing. Allele origin: germline. Affected: yes.
Comment: The C723Y variant has not been published as a mutation, nor has it been reported as a benign polymorphism to our knowledge. The C723Y variant was not observed in approximately 6,500 individuals of European and African American ancestry in the NHLBI Exome Sequencing Project, indicating it is not a common benign variant in these populations. The C723Y variant is a non-conservative amino acid substitution, which is likely to impact secondary protein structure as these residues differ in polarity, charge, size and/or other properties. Additionally, this substitution occurs at a position that is conserved across species and in silico analysis predicts this variant is probably damaging to the protein structure/function. Furthermore, missense mutations in nearby residues (A715V, P721L, I728F) have been reported in association with LQTS, supporting the functional importance of this region of the protein. However, a different missense mutation at the same residue (C723R) has been reported in at least one healthy control and was therefore classified as a benign variant (Ackerman et al., 2003; Kapa et al., 2009). Therefore, based on the currently available information, it is unclear whether this variant is a pathogenic mutation or a rare benign variant.